The following is an entry in ClinVar:

NM_004415.4(DSP):c.6614A>G (p.Lys2205Arg)

Gene: DSP (desmoplakin; plus strand). Cytogenetic location: 6p24.3.
Variant type: single nucleotide variant.
Coding change: c.6614A>G on transcript NM_004415.4 (MANE Select); coding-DNA position 6614, A replaced by G.
Protein change: p.Lys2205Arg; replaces lysine 2205 with arginine.
Molecular consequence: missense variant.
Genome position (GRCh38, 1-based): chr6:7,583,876, A>G. VCF-style: chr6-7583876-A-G. GRCh37 (hg19) VCF-style: chr6-7584109-A-G.
Other names: c.4817A>G, p.Lys1606Arg (NM_001008844.3); c.5285A>G, p.Lys1762Arg (NM_001319034.2); short protein forms K1606R, K1762R, K2205R.
Identifiers: ClinVar variation 3759558 (VCV003759558.2).

ClinVar aggregate classification (germline): Uncertain significance (1 of 4 stars; one submission).

Conditions:
Arrhythmogenic cardiomyopathy with wooly hair and keratoderma. Also called: PALMOPLANTAR KERATODERMA WITH LEFT VENTRICULAR CARDIOMYOPATHY AND WOOLLY HAIR; Carvajal syndrome; Dilated cardiomyopathy with woolly hair and keratoderma; Arrhythmogenic cardiomyopathy with woolly hair and keratoderma. Identifiers: Orphanet 65282, MedGen C1854063, MONDO:0011581, OMIM 605676.
Arrhythmogenic right ventricular dysplasia 8 (ARVD8). Also called: Arrhythmogenic Right Ventricular Dysplasia/Cardiomyopathy 8; ARRHYTHMOGENIC RIGHT VENTRICULAR DYSPLASIA, FAMILIAL, 8; ARRHYTHMOGENIC RIGHT VENTRICULAR CARDIOMYOPATHY 8. Identifiers: MedGen C1843896, MONDO:0011831, OMIM 607450.

Submission:

Labcorp Genetics (formerly Invitae), Labcorp
Classification: Uncertain significance for Arrhythmogenic cardiomyopathy with wooly hair and keratoderma; Arrhythmogenic right ventricular dysplasia 8. Last evaluated: 2024-10-22. Review status: criteria provided, single submitter. Criteria: Invitae Variant Classification Sherloc (09022015). Collection method: clinical testing. Allele origin: germline.
Comment: This sequence change replaces lysine, which is basic and polar, with arginine, which is basic and polar, at codon 2205 of the DSP protein (p.Lys2205Arg). This variant is not present in population databases (gnomAD no frequency). This variant has not been reported in the literature in individuals affected with DSP-related conditions. An algorithm developed to predict the effect of missense changes on protein structure and function (PolyPhen-2) suggests that this variant is likely to be tolerated. In summary, the available evidence is currently insufficient to determine the role of this variant in disease. Therefore, it has been classified as a Variant of Uncertain Significance.